The following is an entry in ClinVar:

ClinVar aggregate classification (germline): Uncertain significance. Review status: criteria provided, multiple submitters, no conflicts (2 of 4 stars). 4 submissions from 4 submitters: Uncertain significance (3). 1 of the submissions does not count toward it. Last evaluated 2024-10-24.

Conditions:
Zellweger spectrum disorders (ZS). Also called: Zellweger Spectrum Disorder; Zellweger Spectrum; Zellweger Spectrum Disorder (ZSD); Zellweger syndrome. Identifiers: Orphanet 912, MedGen C0043459, MONDO:0019609.
Peroxisome biogenesis disorder, complementation group 7 (CG7). Also called: Peroxisome biogenesis disorder, complementation group B. Identifiers: MedGen C1864399.

Allele frequency attached by ClinVar (database versions not stated): ExAC 0.00001; TOPMed 0.00001.

Submissions (4):

Blueprint Genetics
Classification: Uncertain significance. Last evaluated: 2024-10-24. Review status: criteria provided, single submitter. Criteria: ACMG Guidelines, 2015. Collection method: clinical testing. Allele origin: germline.

Labcorp Genetics (formerly Invitae), Labcorp
Classification: Uncertain significance for Peroxisome biogenesis disorder, complementation group 7. Last evaluated: 2022-11-01. Review status: criteria provided, single submitter. Criteria: Invitae Variant Classification Sherloc (09022015). Collection method: clinical testing. Allele origin: germline.
Comment: This sequence change replaces arginine, which is basic and polar, with cysteine, which is neutral and slightly polar, at codon 273 of the PEX10 protein (p.Arg273Cys). This variant is present in population databases (rs756537855, gnomAD 0.003%). This variant has not been reported in the literature in individuals affected with PEX10-related conditions. ClinVar contains an entry for this variant (Variation ID: 594805). Algorithms developed to predict the effect of missense changes on protein structure and function are either unavailable or do not agree on the potential impact of this missense change (SIFT: "Deleterious"; PolyPhen-2: "Benign"; Align-GVGD: "Class C15"). In summary, the available evidence is currently insufficient to determine the role of this variant in disease. Therefore, it has been classified as a Variant of Uncertain Significance.

Eurofins Ntd Llc (ga)
Classification: Uncertain significance. Last evaluated: 2017-11-02. Review status: criteria provided, single submitter. Criteria: EGL Classification Definitions 2015. Collection method: clinical testing. Allele origin: germline. Observed: 1 variant allele, 1 heterozygote.

Natera, Inc.
Classification: Uncertain significance for Zellweger syndrome. Last evaluated: 2019-10-28. Review status: no assertion criteria provided. Collection method: clinical testing. Allele origin: germline. Not counted in ClinVar's aggregate classification.

NM_002617.4(PEX10):c.757C>T (p.Arg253Cys)

Gene: PEX10 (peroxisomal biogenesis factor 10; minus strand). Cytogenetic location: 1p36.32.
Variant type: single nucleotide variant.
Coding change: c.757C>T on transcript NM_002617.4 (MANE Select); coding-DNA position 757, C replaced by T.
Protein change: p.Arg253Cys; replaces arginine 253 with cysteine.
Molecular consequence: missense variant. On other transcripts: non-coding transcript variant (1).
Genome position (GRCh38, 1-based): chr1:2,406,739, G>A on the plus strand (C>T on the coding strand, the complement: PEX10 is on the minus strand). VCF-style: chr1-2406739-G-A. GRCh37 (hg19) VCF-style: chr1-2338178-G-A.
Other names: c.814C>T, p.Arg272Cys (NM_001374425.1); c.382C>T, p.Arg128Cys (NM_001374426.1); c.325C>T, p.Arg109Cys (NM_001374427.1); c.817C>T, p.Arg273Cys (NM_153818.2); short protein forms R273C, R253C, R109C, R128C, R272C.
Identifiers: ClinVar variation 594805 (VCV000594805.9), dbSNP rs756537855, ClinGen allele CA538048.